The following is an entry in ClinVar:

NM_203446.3(SYNJ1):c.1349C>A (p.Ala450Glu)

Gene: SYNJ1 (synaptojanin 1; minus strand). Cytogenetic location: 21q22.11.
Variant type: single nucleotide variant.
Coding change: c.1349C>A on transcript NM_203446.3 (MANE Select); coding-DNA position 1349, C replaced by A.
Protein change: p.Ala450Glu; replaces alanine 450 with glutamic acid.
Molecular consequence: missense variant.
Genome position (GRCh38, 1-based): chr21:32,681,500, G>T on the plus strand (C>A on the coding strand, the complement: SYNJ1 is on the minus strand). VCF-style: chr21-32681500-G-T. GRCh37 (hg19) VCF-style: chr21-34053810-G-T.
Other names: c.1349C>A, p.Ala450Glu (NM_001160302.2, NM_001160306.2); c.1466C>A, p.Ala489Glu (NM_003895.4); short protein forms A450E, A489E.
Identifiers: ClinVar variation 854207 (VCV000854207.10), dbSNP rs1416896181, ClinGen allele CA410089663.

ClinVar aggregate classification (germline): Uncertain significance (1 of 4 stars; one submission).

Conditions:
Developmental and epileptic encephalopathy, 53. Also called: Epileptic encephalopathy, early infantile, 53. Identifiers: MedGen C4479313, MONDO:0033362, OMIM 617389.
Early-onset Parkinson disease 20. Also called: PARKINSON DISEASE 20, AUTOSOMAL RECESSIVE EARLY-ONSET. Identifiers: Orphanet 391411, MedGen C3809824, MONDO:0014233, OMIM 615530.

Submission:

Labcorp Genetics (formerly Invitae), Labcorp
Classification: Uncertain significance for Developmental and epileptic encephalopathy, 53; Early-onset Parkinson disease 20. Last evaluated: 2019-04-04. Review status: criteria provided, single submitter. Criteria: Invitae Variant Classification Sherloc (09022015). Collection method: clinical testing. Allele origin: germline.
Comment: This sequence change replaces alanine with glutamic acid at codon 489 of the SYNJ1 protein (p.Ala489Glu). The alanine residue is moderately conserved and there is a moderate physicochemical difference between alanine and glutamic acid. This variant is not present in population databases (ExAC no frequency). This variant has not been reported in the literature in individuals with SYNJ1-related conditions. Algorithms developed to predict the effect of missense changes on protein structure and function are either unavailable or do not agree on the potential impact of this missense change (SIFT: "Tolerated"; PolyPhen-2: "Probably Damaging"; Align-GVGD: "Class C0"). In summary, the available evidence is currently insufficient to determine the role of this variant in disease. Therefore, it has been classified as a Variant of Uncertain Significance.